The following is an entry in ClinVar:

NM_001191061.2(SLC25A22):c.412+17G>A

Gene: SLC25A22 (solute carrier family 25 member 22; minus strand). Cytogenetic location: 11p15.5.
Variant type: single nucleotide variant.
Coding change: c.412+17G>A on transcript NM_001191061.2 (MANE Select); 17 bases into the intron after coding-DNA position 412, G replaced by A.
Molecular consequence: intron variant.
Genome position (GRCh38, 1-based): chr11:792,853, C>T on the plus strand (G>A on the coding strand, the complement: SLC25A22 is on the minus strand). VCF-style: chr11-792853-C-T. GRCh37 (hg19) VCF-style: chr11-792853-C-T.
Other names: c.412+17G>A (NM_001191060.2, NM_024698.6).
Identifiers: ClinVar variation 514713 (VCV000514713.9), dbSNP rs929871203, ClinGen allele CA216993862.

ClinVar aggregate classification (germline): Likely benign. Review status: criteria provided, multiple submitters, no conflicts (2 of 4 stars). 2 submissions from 2 submitters: Likely benign (2). Last evaluated 2023-04-24.

Conditions:
Early-infantile DEE. Also called: Early infantile epileptic encephalopathy; Ohtahara syndrome; Early infantile epileptic encephalopathy with suppression bursts. Identifiers: Orphanet 1934, MedGen C0393706, MONDO:0800491.

Allele frequency attached by ClinVar (database versions not stated): gnomAD exomes below 0.00001; TOPMed below 0.00001.
gnomAD v4.1: 1 of 1,177,024 alleles (0.000085%); highest among the groups gnomAD compares: Non-Finnish European, 0.00013%; no homozygotes.

Submissions (2):

Labcorp Genetics (formerly Invitae), Labcorp
Classification: Likely benign for Early-infantile DEE. Last evaluated: 2023-04-24. Review status: criteria provided, single submitter. Criteria: Invitae Variant Classification Sherloc (09022015). Collection method: clinical testing. Allele origin: germline.

GeneDx
Classification: Likely benign. Last evaluated: 2018-01-17. Review status: criteria provided, single submitter. Criteria: GeneDx Variant Classification (06012015). Collection method: clinical testing. Allele origin: germline. Affected: yes.
Comment: This variant is considered likely benign or benign based on one or more of the following criteria: it is a conservative change, it occurs at a poorly conserved position in the protein, it is predicted to be benign by multiple in silico algorithms, and/or has population frequency not consistent with disease.